The following is an entry in ClinVar:

NM_004608.4(TBX6):c.518A>G (p.Tyr173Cys)

Gene: TBX6 (T-box transcription factor 6; minus strand). Cytogenetic location: 16p11.2.
Variant type: single nucleotide variant.
Coding change: c.518A>G on transcript NM_004608.4 (MANE Select); coding-DNA position 518, A replaced by G.
Protein change: p.Tyr173Cys; replaces tyrosine 173 with cysteine.
Molecular consequence: missense variant.
Genome position (GRCh38, 1-based): chr16:30,089,046, T>C on the plus strand (A>G on the coding strand, the complement: TBX6 is on the minus strand). VCF-style: chr16-30089046-T-C. GRCh37 (hg19) VCF-style: chr16-30100367-T-C.
Other names: short protein forms Y173C.
Identifiers: ClinVar variation 1396886 (VCV001396886.8), dbSNP rs746908804, ClinGen allele CA8001902.

ClinVar aggregate classification (germline): Uncertain significance (1 of 4 stars; one submission).

Allele frequency attached by ClinVar (database versions not stated): gnomAD exomes below 0.00001 and 0.00002; ExAC 0.00001; TOPMed 0.00003; gnomAD 0.00005 and 0.00006.
gnomAD v4.1: 43 of 1,613,834 alleles (0.0027%); highest among the groups gnomAD compares: African/African-American, 0.0067%; no homozygotes.

Submission:

Labcorp Genetics (formerly Invitae), Labcorp
Classification: Uncertain significance. Last evaluated: 2021-04-19. Review status: criteria provided, single submitter. Criteria: Invitae Variant Classification Sherloc (09022015). Collection method: clinical testing. Allele origin: germline.
Comment: In summary, the available evidence is currently insufficient to determine the role of this variant in disease. Therefore, it has been classified as a Variant of Uncertain Significance. Algorithms developed to predict the effect of missense changes on protein structure and function are either unavailable or do not agree on the potential impact of this missense change (SIFT: "Deleterious"; PolyPhen-2: "Probably Damaging"; Align-GVGD: "Class C0"). This variant has not been reported in the literature in individuals with TBX6-related conditions. This variant is present in population databases (rs746908804, ExAC 0.01%). This sequence change replaces tyrosine with cysteine at codon 173 of the TBX6 protein (p.Tyr173Cys). The tyrosine residue is highly conserved and there is a large physicochemical difference between tyrosine and cysteine.